The following is an entry in ClinVar:

NM_001451.3(FOXF1):c.650C>G (p.Pro217Arg)

Gene: FOXF1 (forkhead box F1; plus strand). Cytogenetic location: 16q24.1.
Variant type: single nucleotide variant.
Coding change: c.650C>G on transcript NM_001451.3 (MANE Select); coding-DNA position 650, C replaced by G.
Protein change: p.Pro217Arg; replaces proline 217 with arginine.
Molecular consequence: missense variant.
Genome position (GRCh38, 1-based): chr16:86,511,219, C>G. VCF-style: chr16-86511219-C-G. GRCh37 (hg19) VCF-style: chr16-86544825-C-G.
Other names: short protein forms P217R.
Identifiers: ClinVar variation 2969839 (VCV002969839.3), dbSNP rs764898792, ClinGen allele CA8217438.

ClinVar aggregate classification (germline): Uncertain significance (1 of 4 stars; one submission).

gnomAD v4.1: 40 of 1,538,302 alleles (0.0026%); highest among the groups gnomAD compares: Non-Finnish European, 0.0035%; no homozygotes.

Submission:

Labcorp Genetics (formerly Invitae), Labcorp
Classification: Uncertain significance. Last evaluated: 2024-04-16. Review status: criteria provided, single submitter. Criteria: Invitae Variant Classification Sherloc (09022015). Collection method: clinical testing. Allele origin: germline.
Comment: This sequence change replaces proline, which is neutral and non-polar, with arginine, which is basic and polar, at codon 217 of the FOXF1 protein (p.Pro217Arg). This variant is present in population databases (rs764898792, gnomAD 0.005%). This variant has not been reported in the literature in individuals affected with FOXF1-related conditions. Advanced modeling of protein sequence and biophysical properties (such as structural, functional, and spatial information, amino acid conservation, physicochemical variation, residue mobility, and thermodynamic stability) performed at Invitae indicates that this missense variant is not expected to disrupt FOXF1 protein function with a negative predictive value of 80%. In summary, the available evidence is currently insufficient to determine the role of this variant in disease. Therefore, it has been classified as a Variant of Uncertain Significance.